The following is an entry in ClinVar:

NM_031448.6(C19orf12):c.*2893G>A

Gene: C19orf12 (chromosome 19 open reading frame 12; minus strand). Cytogenetic location: 19q12.
Variant type: single nucleotide variant.
Coding change: c.*2893G>A on transcript NM_031448.6 (MANE Select); 2893 bases downstream of the stop codon, G replaced by A.
Molecular consequence: 3 prime UTR variant.
Genome position (GRCh38, 1-based): chr19:29,699,819, C>T on the plus strand (G>A on the coding strand, the complement: C19orf12 is on the minus strand). VCF-style: chr19-29699819-C-T. GRCh37 (hg19) VCF-style: chr19-30190726-C-T.
Other names: c.*2893G>A (NM_001031726.4, NM_001256047.2, NM_001282929.1 and 2 more transcripts); c.*2940G>A (NM_001256046.3).
Identifiers: ClinVar variation 328676 (VCV000328676.5), dbSNP rs571030466, ClinGen allele CA9351664.

ClinVar aggregate classification (germline): Benign (1 of 4 stars; one submission).

Conditions:
Neurodegeneration with brain iron accumulation 4 (NBIA4). Also called: MITOCHONDRIAL PROTEIN-ASSOCIATED NEURODEGENERATION. Identifiers: Orphanet 289560, MedGen C3280371, MONDO:0013674, OMIM 614298. Disease mechanism: loss of function.

Allele frequency attached by ClinVar (database versions not stated): gnomAD 0.00163 and 0.00218; TOPMed 0.00176; 1000 Genomes Project 30x 0.00328; 1000 Genomes Project 0.00359; gnomAD exomes 0.00564 and 0.00646; ExAC 0.01812.

Submission:

Illumina Laboratory Services, Illumina
Classification: Benign for Neurodegeneration with brain iron accumulation 4. Last evaluated: 2018-01-13. Review status: criteria provided, single submitter. Criteria: ICSL Variant Classification Criteria 13 December 2019. Collection method: clinical testing. Allele origin: germline.
Comment: This variant was observed in the ICSL laboratory as part of a predisposition screen in an ostensibly healthy population. It had not been previously curated by ICSL or reported in the Human Gene Mutation Database (HGMD: prior to June 1st, 2018), and was therefore a candidate for classification through an automated scoring system. Utilizing variant allele frequency, disease prevalence and penetrance estimates, and inheritance mode, an automated score was calculated to assess if this variant is too frequent to cause the disease. Based on the score and internal cut-off values, a variant classified as benign is not then subjected to further curation. The score for this variant resulted in a classification of benign for this disease.